The following is an entry in ClinVar:

NM_003467.3(CXCR4):c.990_991del (p.Lys331fs)

Gene: CXCR4 (C-X-C motif chemokine receptor 4; minus strand). Cytogenetic location: 2q22.1.
Variant type: Deletion.
Coding change: c.990_991del on transcript NM_003467.3 (MANE Select); coding-DNA positions 990 to 991, 2 bases deleted (CA; older notation c.990_991delCA).
Protein change: p.Lys331fs; shifts the reading frame from lysine 331.
Molecular consequence: frameshift variant.
Genome position (GRCh38, 1-based): chr2:136,114,937-136,114,938, TG deleted on the plus strand (CA on the coding strand, the reverse complement: CXCR4 is on the minus strand). VCF-style (leftmost placement, unchanged base first): chr2-136114936-TTG-T. GRCh37 (hg19) VCF-style: chr2-136872506-TTG-T.
Other names: c.1002_1003del, p.Lys335fs (NM_001008540.2); c.1203_1204del, p.Lys402fs (NM_001348056.2); c.1089_1090del, p.Lys364fs (NM_001348059.2); c.945_946del, p.Lys316fs (NM_001348060.2); short protein forms K364fs, K402fs, K316fs, K331fs, K335fs.
Identifiers: ClinVar variation 4720819 (VCV004720819.1).
Genomic context (GRCh38, chr2:136,114,936, plus strand): 5'-GAGTGAAAACTTGAAGACTCAGACTCAGTGGAAACAGATGAATGTCCACCTCGCTTTCCT[TTG>T]GAGAGGATCTTGAGGCTGGACCCTCTGCTCACAGAGGTGAGTGCGTGCTGGGCAGAGGTT-3'

ClinVar aggregate classification (germline): Likely pathogenic (1 of 4 stars; one submission).

Conditions:
Warts, hypogammaglobulinemia, infections, and myelokathexis. Also called: WHIM syndrome. Identifiers: MedGen C0472817, MONDO:0023880.

Submission:

Labcorp Genetics (formerly Invitae), Labcorp
Classification: Likely pathogenic for Warts, hypogammaglobulinemia, infections, and myelokathexis. Last evaluated: 2025-06-04. Review status: criteria provided, single submitter. Criteria: Invitae Variant Classification Sherloc (09022015). Collection method: clinical testing. Allele origin: germline.
Comment: This sequence change creates a premature translational stop signal (p.Lys331Argfs*12) in the CXCR4 gene. While this is not anticipated to result in nonsense mediated decay, it is expected to disrupt the last 22 amino acid(s) of the CXCR4 protein. This variant is not present in population databases (gnomAD no frequency). This variant has not been reported in the literature in individuals affected with CXCR4-related conditions. This variant is located in a region of the CXCR4 protein where a significant number of CXCR4 nonsense and frameshift mutations have been reported in association with autosomal dominant WHIM syndrome (PMID: 31313072, 32784523, 35947323, 36089616). In summary, the currently available evidence indicates that the variant is pathogenic, but additional data are needed to prove that conclusively. Therefore, this variant has been classified as Likely Pathogenic.

Literature cited by the submitters: PubMed 31313072; PubMed 32784523; PubMed 35947323; PubMed 36089616.